The following is an entry in ClinVar:

NM_001009999.3(KDM1A):c.464C>A (p.Pro155His)

Gene: KDM1A (lysine demethylase 1A; plus strand). Cytogenetic location: 1p36.12.
Variant type: single nucleotide variant.
Coding change: c.464C>A on transcript NM_001009999.3 (MANE Select); coding-DNA position 464, C replaced by A.
Protein change: p.Pro155His; replaces proline 155 with histidine.
Molecular consequence: missense variant.
Genome position (GRCh38, 1-based): chr1:23,030,581, C>A. VCF-style: chr1-23030581-C-A. GRCh37 (hg19) VCF-style: chr1-23357074-C-A.
Other names: c.464C>A, p.Pro155His (NM_001363654.2, NM_001410762.1, NM_001410763.1 and 1 more transcripts); short protein forms P155H.
Identifiers: ClinVar variation 4091097 (VCV004091097.1).

ClinVar aggregate classification (germline): Uncertain significance (1 of 4 stars; one submission).

Conditions:
Inborn genetic diseases. Identifiers: MedGen C0950123, MeSH D030342.

Submission:

Ambry Genetics
Classification: Uncertain significance for Inborn genetic diseases. Last evaluated: 2025-08-19. Review status: criteria provided, single submitter. Criteria: Ambry Variant Classification Scheme 2023. Collection method: clinical testing. Allele origin: germline.
Comment: The p.P155H variant (also known as c.464C>A), located in coding exon 2 of the KDM1A gene, results from a C to A substitution at nucleotide position 464. The proline at codon 155 is replaced by histidine, an amino acid with similar properties. This amino acid position is conserved. In addition, this alteration is predicted to be tolerated by in silico analysis. Based on the available evidence, the clinical significance of this variant remains unclear.